The following is an entry in ClinVar:

NM_001042492.3(NF1):c.3708+1G>A

Gene: NF1 (neurofibromin 1; plus strand). Cytogenetic location: 17q11.2.
Variant type: single nucleotide variant.
Coding change: c.3708+1G>A on transcript NM_001042492.3 (MANE Select); the canonical splice donor site of the intron after coding-DNA position 3708, G replaced by A.
Molecular consequence: splice donor variant.
Genome position (GRCh38, 1-based): chr17:31,233,214, G>A. VCF-style: chr17-31233214-G-A. GRCh37 (hg19) VCF-style: chr17-29560232-G-A.
Other names: c.3708+1G>A (NM_000267.4).
Identifiers: ClinVar variation 635478 (VCV000635478.10), dbSNP rs1420779915, ClinGen allele CA398990787.

ClinVar aggregate classification (germline): Pathogenic/Likely pathogenic. Review status: criteria provided, multiple submitters, no conflicts (2 of 4 stars). 5 submissions from 5 submitters: Pathogenic (3); Likely pathogenic (1). 1 of the submissions does not count toward it. Last evaluated 2025-04-09.

Conditions:
Neurofibromatosis, familial spinal (FSNF). Identifiers: Orphanet 636, MedGen C1834235, MONDO:0008078, OMIM 162210. Disease mechanism: loss of function.
Neurofibromatosis-Noonan syndrome (NFNS). Also called: NEUROFIBROMATOSIS WITH NOONAN PHENOTYPE. Identifiers: Orphanet 638, MedGen C2931482, MONDO:0011035, OMIM 601321. Disease mechanism: loss of function.
Juvenile myelomonocytic leukemia (JMML). Also called: LEUKEMIA, JUVENILE MYELOMONOCYTIC, SOMATIC. Identifiers: Orphanet 86834, MedGen C0349639, MONDO:0011908, OMIM 607785, HP:0012209.
Neurofibromatosis, type 1 (NF1). Also called: Neurofibromatosis, type I; VON RECKLINGHAUSEN DISEASE; Peripheral type neurofibromatosis; NEUROFIBROMATOSIS, TYPE I, SOMATIC. Identifiers: Orphanet 636, MedGen C0027831, MONDO:0018975, OMIM 162200. Disease mechanism: loss of function.
Café-au-lait macules with pulmonary stenosis (WTSN). Also called: PULMONIC STENOSIS WITH CAFE-AU-LAIT SPOTS. Identifiers: MedGen C0553586, MONDO:0008672, OMIM 193520.
NF1-related disorder. Also called: NF1-related condition. Identifiers: MedGen CN379171.
Hereditary cancer-predisposing syndrome. Also called: Tumor predisposition; Neoplastic Syndromes, Hereditary; Hereditary Cancer Syndrome; Hereditary neoplastic syndrome. Identifiers: Orphanet 140162, MedGen C0027672, MeSH D009386, MONDO:0015356.
Cardiovascular phenotype. Identifiers: MedGen CN230736.

Allele frequency attached by ClinVar (database versions not stated): gnomAD exomes below 0.00001.
gnomAD v4.1: 1 of 1,613,672 alleles (0.000062%); highest among the groups gnomAD compares: Admixed American, 0.0017%; no homozygotes.

Submissions (5):

Ambry Genetics
Classification: Pathogenic for Cardiovascular phenotype; Hereditary cancer-predisposing syndrome. Last evaluated: 2025-04-09. Review status: criteria provided, single submitter. Criteria: Ambry Variant Classification Scheme 2023. Collection method: clinical testing. Allele origin: germline.
Comment: The c.3708+1G>A intronic pathogenic mutation results from a G to A substitution one nucleotide after coding exon 27 of the NF1 gene. This variant was reported in individual(s) with features consistent with Neurofibromatosis type1 (Tsipi M et al. J Neurol Sci, 2018 Dec;395:95-105; G&uuml;ne N et al. Ann Hum Genet, 2021 Sep;85:155-165; Ambry internal data). This nucleotide position is highly conserved in available vertebrate species. In silico splice site analysis predicts that this alteration will weaken the native splice donor site. RNA studies have demonstrated that this alteration results in abnormal splicing in the set of samples tested (Ambry internal data). This variant is considered to be rare based on population cohorts in the Genome Aggregation Database (gnomAD). Alterations that disrupt the canonical splice site are expected to cause aberrant splicing, resulting in an abnormal protein or a transcript that is subject to nonsense-mediated mRNA decay. Based on the supporting evidence, this variant is interpreted as a disease-causing mutation.

Labcorp Genetics (formerly Invitae), Labcorp
Classification: Pathogenic for Neurofibromatosis, type 1. Last evaluated: 2024-12-16. Review status: criteria provided, single submitter. Criteria: Invitae Variant Classification Sherloc (09022015). Collection method: clinical testing. Allele origin: germline.
Comment: This sequence change affects a donor splice site in intron 27 of the NF1 gene. RNA analysis indicates that disruption of this splice site induces altered splicing and may result in an absent or altered protein product. This variant is present in population databases (no rsID available, gnomAD 0.003%). Disruption of this splice site has been observed in individual(s) with clinical features of neurofibromatosis type 1 (PMID: 26056819, 30308447; internal data). ClinVar contains an entry for this variant (Variation ID: 635478). Studies have shown that disruption of this splice site results in skipping of exon 27, and produces a non-functional protein and/or introduces a premature termination codon (internal data). For these reasons, this variant has been classified as Pathogenic.

Fulgent Genetics
Classification: Likely pathogenic for Neurofibromatosis, type 1; Neurofibromatosis, familial spinal; Café-au-lait macules with pulmonary stenosis; Neurofibromatosis-Noonan syndrome; Juvenile myelomonocytic leukemia. Last evaluated: 2024-01-06. Review status: criteria provided, single submitter. Criteria: ACMG Guidelines, 2015. Collection method: clinical testing. Allele origin: germline.

Blueprint Genetics
Classification: Pathogenic for NF1-related disorders. Last evaluated: 2022-06-23. Review status: criteria provided, single submitter. Criteria: ACMG Guidelines, 2015. Collection method: clinical testing. Allele origin: germline. Affected: yes. Observed: 4 variant alleles.

Bioscientia Institut fuer Medizinische Diagnostik GmbH, Sonic Healthcare
Classification: Likely pathogenic for Neurofibromatosis, type 1. Last evaluated: 2019-02-01. Review status: no assertion criteria provided. Collection method: clinical testing. Allele origin: germline. Affected: yes. Not counted in ClinVar's aggregate classification.

Literature cited by the submitters: PubMed 30308447 (cited by Ambry Genetics and Labcorp Genetics (formerly Invitae), Labcorp); PubMed 33877690 (cited by Ambry Genetics); PubMed 26056819 (cited by Labcorp Genetics (formerly Invitae), Labcorp).